The following is an entry in ClinVar:

NM_000051.4(ATM):c.498dup (p.Leu167fs)

Gene: ATM (ATM serine/threonine kinase; plus strand). Cytogenetic location: 11q22.3.
Variant type: Duplication.
Coding change: c.498dup on transcript NM_000051.4 (MANE Select); coding-DNA position 498, one base duplicated (A; older notation c.498dupA).
Protein change: p.Leu167fs; shifts the reading frame from leucine 167.
Molecular consequence: frameshift variant.
Genome position (GRCh38, 1-based): chr11:108,243,954, A duplicated; the last of 2 consecutive A bases (chr11:108,243,953-108,243,954); duplicating either gives the same sequence. VCF-style (leftmost placement, unchanged base first): chr11-108243952-G-GA. GRCh37 (hg19) VCF-style: chr11-108114679-G-GA.
Other names: c.498dup, p.Leu167fs (NM_001351834.2); short protein forms L167fs.
Identifiers: ClinVar variation 5042258 (VCV005042258.1).
Genomic context (GRCh38, chr11:108,243,952, plus strand): 5'-AACATTTAATACATTTTGATTTTTAAAAAATCATGACTAATAATTTTTTTTTTTTTTTAA[G>GA]AATTGTTCTCTGTGTACTTCAGGCTCTATCTGAAACCTTCACAAGATGTTCATAGAGTTT-3'

ClinVar aggregate classification (germline): Pathogenic (1 of 4 stars; one submission).

Conditions:
Familial cancer of breast. Also called: BREAST CANCER, FAMILIAL; Hereditary breast cancer; hereditary breast carcinoma. Identifiers: Orphanet 227535, MedGen C0346153, MONDO:0016419, OMIM 114480. Disease mechanism: loss of function.

Submission:

Myriad Genetics, Inc.
Classification: Pathogenic for Familial cancer of breast. Last evaluated: 2026-08-20. Review status: criteria provided, single submitter. Criteria: Myriad Autosomal Dominant, Autosomal Recessive and X-Linked Classification Criteria (2023). Collection method: clinical testing. Allele origin: unknown.
Comment: This variant is considered pathogenic. This variant creates a frameshift predicted to result in premature protein truncation.